The following is an entry in ClinVar:

NM_001142864.4(PIEZO1):c.635-4G>A

Genes: HSALR1 (HSP90AB1 associated lncRNA 1; plus strand), PIEZO1 (piezo type mechanosensitive ion channel component 1 (Er blood group); minus strand). Cytogenetic location: 16q24.3.
Variant type: single nucleotide variant.
Coding change: c.635-4G>A on transcript NM_001142864.4 (MANE Select); 4 bases into the intron before coding-DNA position 635, G replaced by A.
Molecular consequence: intron variant.
Genome position (GRCh38, 1-based): chr16:88,738,444, C>T on the plus strand (G>A on the coding strand, the complement: PIEZO1 is on the minus strand). VCF-style: chr16-88738444-C-T. GRCh37 (hg19) VCF-style: chr16-88804852-C-T.
Other names: p.?.
Identifiers: ClinVar variation 725899 (VCV000725899.34), dbSNP rs372188504, ClinGen allele CA8233226.
Genomic context (GRCh38, chr16:88,738,444, plus strand): 5'-AGAGGGCCAGGAAGAGCAGCAGGTAGACACTGGAGAGGGCCGAGGGGTGGGCGATGCCTG[C>T]GGGGCAGGGGCACACAGGGTGGTACCTGGCCAGTGCCATGTGTCCCGCTGTCTCCACAGT-3'

ClinVar aggregate classification (germline): Likely benign. Review status: criteria provided, multiple submitters, no conflicts (2 of 4 stars). 6 submissions from 6 submitters: Likely benign (6). Last evaluated 2025-10-28.

Allele frequency attached by ClinVar (database versions not stated): 1000 Genomes Project 30x 0.00031; ExAC 0.00037; ESP Exome Variant Server 0.00044; TOPMed 0.00049; gnomAD 0.00061; gnomAD exomes 0.00081.
gnomAD v4.1: 1,055 of 1,535,012 alleles (0.069%); highest among the groups gnomAD compares: Admixed American, 0.078%; 2 homozygotes.

Submissions (6):

Mayo Clinic Laboratories, Mayo Clinic
Classification: Likely benign. Last evaluated: 2025-10-28. Review status: criteria provided, single submitter. Criteria: ACMG Guidelines, 2015. Collection method: clinical testing. Allele origin: germline. Observed: 2 variant alleles.
Comment: BP4, BP7

Labcorp Genetics (formerly Invitae), Labcorp
Classification: Likely benign. Last evaluated: 2025-10-18. Review status: criteria provided, single submitter. Criteria: Invitae Variant Classification Sherloc (09022015). Collection method: clinical testing. Allele origin: germline.

Blueprint Genetics
Classification: Likely benign. Last evaluated: 2024-10-15. Review status: criteria provided, single submitter. Criteria: ACMG Guidelines, 2015. Collection method: clinical testing. Allele origin: germline.

CeGaT Center for Human Genetics Tuebingen
Classification: Likely benign. Last evaluated: 2023-06-01. Review status: criteria provided, single submitter. Criteria: CeGaT Center For Human Genetics Tuebingen Variant Classification Criteria Version 2. Collection method: clinical testing. Allele origin: germline. Affected: yes. Observed: 1 variant allele.
Comment: PIEZO1: BP4

ARUP Laboratories, Molecular Genetics and Genomics, ARUP Laboratories
Classification: Likely benign. Last evaluated: 2022-12-21. Review status: criteria provided, single submitter. Criteria: ARUP Molecular Germline Variant Investigation Process 2024. Collection method: clinical testing. Allele origin: germline.

Breakthrough Genomics
Classification: Likely benign. Review status: criteria provided, single submitter. Criteria: ACMG Guidelines, 2015. Collection method: not provided. Allele origin: germline. Inheritance: Autosomal recessive inheritance. Affected: yes.